The following is an entry in ClinVar:

ClinVar aggregate classification (germline): Likely pathogenic (1 of 4 stars; one submission).

Submission:

Mayo Clinic Laboratories, Mayo Clinic
Classification: Likely pathogenic. Last evaluated: 2024-02-26. Review status: criteria provided, single submitter. Criteria: ACMG Guidelines, 2015. Collection method: clinical testing. Allele origin: germline. Observed: 1 variant allele.
Comment: PM2_moderate, PVS1

NM_001355436.2(SPTB):c.3319_3320dup (p.Asp1108fs)

Gene: SPTB (spectrin beta, erythrocytic; minus strand). Cytogenetic location: 14q23.3.
Variant type: Duplication.
Coding change: c.3319_3320dup on transcript NM_001355436.2 (MANE Select); coding-DNA positions 3319 to 3320, 2 bases duplicated (AA; older notation c.3319_3320dupAA).
Protein change: p.Asp1108fs; shifts the reading frame from aspartic acid 1108.
Molecular consequence: frameshift variant.
Genome position (GRCh38, 1-based): chr14:64,786,645-64,786,646, TT duplicated on the plus strand (AA on the coding strand, the reverse complement: SPTB is on the minus strand). VCF-style (leftmost placement, unchanged base first): chr14-64786644-C-CTT. GRCh37 (hg19) VCF-style: chr14-65253362-C-CTT.
Other names: p.Asp1108Argfs*21; c.3319_3320dup, p.Asp1108fs (NM_001024858.4, NM_001355437.2); short protein forms D1108fs.
Identifiers: ClinVar variation 3381114 (VCV003381114.1).